The following is an entry in ClinVar:

NM_021620.4(PRDM13):c.70C>G (p.Leu24Val)

Gene: PRDM13 (PR/SET domain 13; plus strand). Cytogenetic location: 6q16.2.
Variant type: single nucleotide variant.
Coding change: c.70C>G on transcript NM_021620.4 (MANE Select); coding-DNA position 70, C replaced by G.
Protein change: p.Leu24Val; replaces leucine 24 with valine.
Molecular consequence: missense variant.
Genome position (GRCh38, 1-based): chr6:99,607,104, C>G. VCF-style: chr6-99607104-C-G. GRCh37 (hg19) VCF-style: chr6-100054980-C-G.
Other names: c.70C>G (NM_021620.3); short protein forms L24V.
Identifiers: ClinVar variation 1005927 (VCV001005927.11), dbSNP rs370993738, ClinGen allele CA3936085.

ClinVar aggregate classification (germline): Conflicting classifications of pathogenicity. Review status: criteria provided, conflicting classifications (1 of 4 stars). 4 submissions from 4 submitters: Uncertain significance (3); Likely benign (1). Last evaluated 2026-03-26.

Conditions:
PRDM13-related disorder. Also called: PRDM13-related condition.
Inborn genetic diseases. Identifiers: MedGen C0950123, MeSH D030342.

Allele frequency attached by ClinVar (database versions not stated): ExAC 0.00012; gnomAD exomes 0.00015 and 0.00025; ESP Exome Variant Server 0.00016; TOPMed 0.00016; gnomAD 0.00019 and 0.00020.

Submissions (4):

PreventionGenetics, part of Exact Sciences
Classification: Uncertain significance for PRDM13-related condition. Last evaluated: 2026-03-26. Review status: criteria provided, single submitter. Criteria: ACMG Guidelines, 2015. Collection method: clinical testing. Allele origin: germline.
Comment: The PRDM13 c.70C>G variant is predicted to result in the amino acid substitution p.Leu24Val. To our knowledge, this variant has not been reported in the literature. This variant is reported in 0.035% of alleles in individuals of European (Non-Finnish) descent in gnomAD. At this time, the clinical significance of this variant is uncertain due to the absence of conclusive functional and genetic evidence.

Labcorp Genetics (formerly Invitae), Labcorp
Classification: Uncertain significance. Last evaluated: 2025-07-20. Review status: criteria provided, single submitter. Criteria: Invitae Variant Classification Sherloc (09022015). Collection method: clinical testing. Allele origin: germline.
Comment: This sequence change replaces leucine, which is neutral and non-polar, with valine, which is neutral and non-polar, at codon 24 of the PRDM13 protein (p.Leu24Val). This variant is present in population databases (rs370993738, gnomAD 0.04%), and has an allele count higher than expected for a pathogenic variant. This variant has not been reported in the literature in individuals affected with PRDM13-related conditions. ClinVar contains an entry for this variant (Variation ID: 1005927). An algorithm developed to predict the effect of missense changes on protein structure and function (PolyPhen-2) suggests that this variant is likely to be tolerated. In summary, the available evidence is currently insufficient to determine the role of this variant in disease. Therefore, it has been classified as a Variant of Uncertain Significance.

Blueprint Genetics
Classification: Likely benign. Last evaluated: 2024-08-26. Review status: criteria provided, single submitter. Criteria: ACMG Guidelines, 2015. Collection method: clinical testing. Allele origin: germline.

Ambry Genetics
Classification: Uncertain significance for Inborn genetic diseases. Last evaluated: 2021-12-06. Review status: criteria provided, single submitter. Criteria: Ambry Variant Classification Scheme 2023. Collection method: clinical testing. Allele origin: germline.